The following is an entry in ClinVar:

NC_000012.12:g.(?_109561020)_(109565196_?)del

Gene: MMAB (metabolism of cobalamin associated B; minus strand). Cytogenetic location: 12q24.11.
Variant type: Deletion.
Identifiers: ClinVar variation 534563 (VCV000534563.1).

ClinVar aggregate classification (germline): Likely pathogenic (1 of 4 stars; one submission).

Conditions:
Methylmalonic aciduria, cblB type (MACB). Also called: METHYLMALONIC ACIDURIA, VITAMIN B12-RESPONSIVE, DUE TO DEFECT IN SYNTHESIS OF ADENOSYLCOBALAMIN, cblB TYPE; Methylmalonic acidemia cblB type; Vitamin B12-responsive methylmalonic acidemia type cblB. Identifiers: Orphanet 28, Orphanet 79311, MedGen C1855102, MONDO:0009614, OMIM 251110.

Submission:

Labcorp Genetics (formerly Invitae), Labcorp
Classification: Likely pathogenic for Methylmalonic aciduria, cblB type. Last evaluated: 2017-12-04. Review status: criteria provided, single submitter. Criteria: Invitae Variant Classification Sherloc (09022015). Collection method: clinical testing. Allele origin: germline.
Comment: This variant is an in-frame deletion of the genomic region encompassing exons 4-7 of the MMAB gene. It preserves the integrity of the reading frame. This variant has not been reported in the literature in individuals with MMAB-related disease. A missense substitution located in the deleted region (p.Arg191Trp) has been determined to be pathogenic (PMID: 27591164, 16439175, 12471062, 17957493, 20556797). This suggests that the deleted region is critical for MMAB protein function. In summary, the currently available evidence indicates that the variant is pathogenic, but additional data are needed to prove that conclusively. Therefore, this variant has been classified as Likely Pathogenic.

Literature cited by the submitters: PubMed 12471062; PubMed 27591164; PubMed 16439175; PubMed 20556797; PubMed 17957493.